The following is an entry in ClinVar:

ClinVar aggregate classification (germline): Benign/Likely benign. Review status: criteria provided, multiple submitters, no conflicts (2 of 4 stars). 4 submissions from 4 submitters: Benign (3); Likely benign (1). Last evaluated 2026-01-19.

Conditions:
Familial thoracic aortic aneurysm and aortic dissection (TAAD). Also called: Thoracic aortic aneurysms and dissections. Identifiers: Orphanet 91387, MedGen C4707243, MONDO:0019625.
Marfan syndrome (MFS). Also called: Marfan syndrome type 1; Marfan syndrome, classic; Marfan's syndrome; FBN1-Related Marfan Syndrome; MARFAN SYNDROME, TYPE I. Identifiers: Orphanet 284963, Orphanet 558, MedGen C0024796, MONDO:0007947, OMIM 154700.

Allele frequency attached by ClinVar (database versions not stated): 1000 Genomes Project 30x 0.00016; gnomAD exomes 0.00018; TOPMed 0.00096; 1000 Genomes Project 0.00020; gnomAD 0.00079 and 0.00086; ExAC 0.00021; ESP Exome Variant Server 0.00108.
gnomAD v4.1: 203 of 1,613,416 alleles (0.013%); highest among the groups gnomAD compares: African/African-American, 0.25%; 1 homozygote.

Submissions (4):

Labcorp Genetics (formerly Invitae), Labcorp
Classification: Benign for Marfan syndrome; Familial thoracic aortic aneurysm and aortic dissection. Last evaluated: 2026-01-19. Review status: criteria provided, single submitter. Criteria: Invitae Variant Classification Sherloc (09022015). Collection method: clinical testing. Allele origin: germline.

ARUP Laboratories, Molecular Genetics and Genomics, ARUP Laboratories
Classification: Benign. Last evaluated: 2025-02-12. Review status: criteria provided, single submitter. Criteria: ARUP Molecular Germline Variant Investigation Process 2024. Collection method: clinical testing. Allele origin: germline.

Blueprint Genetics
Classification: Likely benign. Last evaluated: 2024-10-25. Review status: criteria provided, single submitter. Criteria: ACMG Guidelines, 2015. Collection method: clinical testing. Allele origin: germline.

GeneDx
Classification: Benign. Last evaluated: 2017-01-25. Review status: criteria provided, single submitter. Criteria: GeneDx Variant Classification (06012015). Collection method: clinical testing. Allele origin: germline. Affected: yes.
Comment: This variant is considered likely benign or benign based on one or more of the following criteria: it is a conservative change, it occurs at a poorly conserved position in the protein, it is predicted to be benign by multiple in silico algorithms, and/or has population frequency not consistent with disease.

NM_000138.5(FBN1):c.6616+17G>A

Gene: FBN1 (fibrillin 1; minus strand). Cytogenetic location: 15q21.1.
Variant type: single nucleotide variant.
Coding change: c.6616+17G>A on transcript NM_000138.5 (MANE Select); 17 bases into the intron after coding-DNA position 6616, G replaced by A.
Molecular consequence: intron variant.
Genome position (GRCh38, 1-based): chr15:48,434,577, C>T on the plus strand (G>A on the coding strand, the complement: FBN1 is on the minus strand). VCF-style: chr15-48434577-C-T. GRCh37 (hg19) VCF-style: chr15-48726774-C-T.
Identifiers: ClinVar variation 516264 (VCV000516264.11), dbSNP rs363822, ClinGen allele CA057065.
Genomic context (GRCh38, chr15:48,434,577, plus strand): 5'-ATATTAAGACTTGTAATCAACCAATTGTTCCCAGGATCAGTACACGTAATCAACTGTTCT[C>T]TGTTTAAGAGATGTACCTTCACATGTCATCATTGGACCGGGCTCAAATCCCTCCTCGCAG-3'